The following is an entry in ClinVar:

ClinVar aggregate classification (germline): Uncertain significance (1 of 4 stars; one submission).

Allele frequency attached by ClinVar (database versions not stated): gnomAD exomes 0.00001.
gnomAD v4.1: 3 of 1,211,960 alleles (0.00025%); highest among the groups gnomAD compares: Non-Finnish European, 0.00034%; no homozygotes.

Submission:

CeGaT Center for Human Genetics Tuebingen
Classification: Uncertain significance. Last evaluated: 2024-04-01. Review status: criteria provided, single submitter. Criteria: CeGaT Center For Human Genetics Tuebingen Variant Classification Criteria Version 2. Collection method: clinical testing. Allele origin: germline. Affected: yes. Observed: 1 variant allele.
Comment: FRMPD4: PM2:Supporting, BP4

NM_001368397.1(FRMPD4):c.3547G>C (p.Ala1183Pro)

Gene: FRMPD4 (FERM and PDZ domain containing 4; plus strand). Cytogenetic location: Xp22.2.
Variant type: single nucleotide variant.
Coding change: c.3547G>C on transcript NM_001368397.1 (MANE Select); coding-DNA position 3547, G replaced by C.
Protein change: p.Ala1183Pro; replaces alanine 1183 with proline.
Molecular consequence: missense variant.
Genome position (GRCh38, 1-based): chrX:12,718,373, G>C. VCF-style: chrX-12718373-G-C. GRCh37 (hg19) VCF-style: chrX-12736492-G-C.
Other names: c.3658G>C, p.Ala1220Pro (NM_001368395.3, NM_001368398.3); c.3553G>C, p.Ala1185Pro (NM_001368396.3); c.3538G>C, p.Ala1180Pro (NM_001368399.3); c.3427G>C, p.Ala1143Pro (NM_001368400.3); c.3523G>C, p.Ala1175Pro (NM_001368401.1, NM_001368402.3); c.3547G>C, p.Ala1183Pro (NM_014728.3); short protein forms A1143P, A1175P, A1180P, A1183P, A1185P, A1220P.
Identifiers: ClinVar variation 3234465 (VCV003234465.20), dbSNP rs1412840166, ClinGen allele CA412320841.